The following is an entry in ClinVar:

NM_001025616.3(ARHGAP24):c.284G>A (p.Arg95Gln)

Gene: ARHGAP24 (Rho GTPase activating protein 24; plus strand). Cytogenetic location: 4q21.23.
Variant type: single nucleotide variant.
Coding change: c.284G>A on transcript NM_001025616.3 (MANE Select); coding-DNA position 284, G replaced by A.
Protein change: p.Arg95Gln; replaces arginine 95 with glutamine.
Molecular consequence: missense variant. On other transcripts: 5 prime UTR variant (2).
Genome position (GRCh38, 1-based): chr4:85,923,663, G>A. VCF-style: chr4-85923663-G-A. GRCh37 (hg19) VCF-style: chr4-86844816-G-A.
Other names: c.-2G>A (NM_001042669.2); c.29G>A, p.Arg10Gln (NM_001287805.2); c.-88G>A (NM_001346093.2); short protein forms R10Q, R95Q.
Identifiers: ClinVar variation 1482931 (VCV001482931.6), dbSNP rs145434155, ClinGen allele CA2994400.

ClinVar aggregate classification (germline): Uncertain significance. Review status: criteria provided, multiple submitters, no conflicts (2 of 4 stars). 2 submissions from 2 submitters: Uncertain significance (2). Last evaluated 2022-10-17.

Allele frequency attached by ClinVar (database versions not stated): 1000 Genomes Project 30x 0.00016; TOPMed 0.00020; gnomAD 0.00023; gnomAD exomes 0.00040; ESP Exome Variant Server 0.00069.
gnomAD v4.1: 602 of 1,613,704 alleles (0.037%); highest among the groups gnomAD compares: Non-Finnish European, 0.047%; 1 homozygote.

Submissions (2):

Labcorp Genetics (formerly Invitae), Labcorp
Classification: Uncertain significance. Last evaluated: 2022-10-17. Review status: criteria provided, single submitter. Criteria: Invitae Variant Classification Sherloc (09022015). Collection method: clinical testing. Allele origin: germline.
Comment: This sequence change replaces arginine, which is basic and polar, with glutamine, which is neutral and polar, at codon 95 of the ARHGAP24 protein (p.Arg95Gln). This variant is present in population databases (rs145434155, gnomAD 0.04%), and has an allele count higher than expected for a pathogenic variant. This variant has not been reported in the literature in individuals affected with ARHGAP24-related conditions. ClinVar contains an entry for this variant (Variation ID: 1482931). Algorithms developed to predict the effect of missense changes on protein structure and function output the following: SIFT: "Deleterious"; PolyPhen-2: "Benign"; Align-GVGD: "Class C35". The glutamine amino acid residue is found in multiple mammalian species, which suggests that this missense change does not adversely affect protein function. In summary, the available evidence is currently insufficient to determine the role of this variant in disease. Therefore, it has been classified as a Variant of Uncertain Significance.

Ambry Genetics
Classification: Uncertain significance. Last evaluated: 2021-08-17. Review status: criteria provided, single submitter. Criteria: Ambry Variant Classification Scheme 2023. Collection method: clinical testing. Allele origin: germline.